The following is an entry in ClinVar:

ClinVar aggregate classification (germline): Uncertain significance. Review status: criteria provided, multiple submitters, no conflicts (2 of 4 stars). 2 submissions from 2 submitters: Uncertain significance (2). Last evaluated 2024-12-07.

Conditions:
Smith-Magenis syndrome (SMS). Also called: CHROMOSOME 17p11.2 DELETION SYNDROME. Identifiers: Orphanet 819, MedGen C0795864, MONDO:0008434, OMIM 182290.

gnomAD v4.1: 1 of 1,613,084 alleles (0.000062%); highest among the groups gnomAD compares: South Asian, 0.0011%; no homozygotes.

Submissions (2):

Labcorp Genetics (formerly Invitae), Labcorp
Classification: Uncertain significance. Last evaluated: 2024-12-07. Review status: criteria provided, single submitter. Criteria: Invitae Variant Classification Sherloc (09022015). Collection method: clinical testing. Allele origin: germline.
Comment: This sequence change replaces alanine, which is neutral and non-polar, with proline, which is neutral and non-polar, at codon 1309 of the RAI1 protein (p.Ala1309Pro). This variant is not present in population databases (gnomAD no frequency). This variant has not been reported in the literature in individuals affected with RAI1-related conditions. Invitae Evidence Modeling of protein sequence and biophysical properties (such as structural, functional, and spatial information, amino acid conservation, physicochemical variation, residue mobility, and thermodynamic stability) indicates that this missense variant is not expected to disrupt RAI1 protein function with a negative predictive value of 80%. In summary, the available evidence is currently insufficient to determine the role of this variant in disease. Therefore, it has been classified as a Variant of Uncertain Significance.

Fulgent Genetics
Classification: Uncertain significance for Smith-Magenis syndrome. Last evaluated: 2024-04-04. Review status: criteria provided, single submitter. Criteria: ACMG Guidelines, 2015. Collection method: clinical testing. Allele origin: germline.

NM_030665.4(RAI1):c.3925G>C (p.Ala1309Pro)

Gene: RAI1 (retinoic acid induced 1; plus strand). Cytogenetic location: 17p11.2.
Variant type: single nucleotide variant.
Coding change: c.3925G>C on transcript NM_030665.4 (MANE Select); coding-DNA position 3925, G replaced by C.
Protein change: p.Ala1309Pro; replaces alanine 1309 with proline.
Molecular consequence: missense variant.
Genome position (GRCh38, 1-based): chr17:17,796,873, G>C. VCF-style: chr17-17796873-G-C. GRCh37 (hg19) VCF-style: chr17-17700187-G-C.
Other names: short protein forms A1309P.
Identifiers: ClinVar variation 3581706 (VCV003581706.3).
Genomic context (GRCh38, chr17:17,796,873, plus strand): 5'-GCCACAAAGCTCCCACCCCCGGAGACCCCCGATGCCTGCCTCAAGCTCGCCTCTCGGGCA[G>C]CCTTCCAGGGGGCCATGAAGACCAAGGTGCTGCCACCCCGGAAGGGCCGGGGCCTGAAGC-3'
Protein context (NP_109590.3, residues 1299-1319): DACLKLASRA[Ala1309Pro]FQGAMKTKVL